The following is an entry in ClinVar:

ClinVar aggregate classification (germline): Benign (1 of 4 stars; one submission).

Allele frequency attached by ClinVar (database versions not stated): gnomAD exomes 0.01897; gnomAD 0.02076; TOPMed 0.03558; 1000 Genomes Project 0.04533; 1000 Genomes Project 30x 0.04903.
gnomAD v4.1: 15,917 of 832,620 alleles (1.9%); highest among the groups gnomAD compares: Admixed American, 26%; 2,249 homozygotes.

Submission:

Unidad de Genómica Garrahan, Hospital de Pediatría Garrahan
Classification: Benign. Last evaluated: 2024-01-24. Review status: criteria provided, single submitter. Criteria: ACMG Guidelines, 2015. Collection method: clinical testing. Allele origin: germline. Affected: no. Observed: 24 variant alleles.
Comment: This variant is classified as Benign based on local population frequency. This variant was detected in 25% of patients studied by a panel of primary immunodeficiencies. Number of patients: 24. Only high quality variants are reported.

NM_017553.3(INO80):c.3833-109A>C

Gene: INO80 (INO80 complex ATPase subunit; minus strand). Cytogenetic location: 15q15.1.
Variant type: single nucleotide variant.
Coding change: c.3833-109A>C on transcript NM_017553.3 (MANE Select); 109 bases into the intron before coding-DNA position 3833, A replaced by C.
Molecular consequence: intron variant.
Genome position (GRCh38, 1-based): chr15:40,985,535, T>G on the plus strand (A>C on the coding strand, the complement: INO80 is on the minus strand). VCF-style: chr15-40985535-T-G. GRCh37 (hg19) VCF-style: chr15-41277733-T-G.
Identifiers: ClinVar variation 2688291 (VCV002688291.2), dbSNP rs12438816, ClinGen allele CA269656175.